The following is an entry in ClinVar:

ClinVar aggregate classification (germline): Uncertain significance. Review status: criteria provided, multiple submitters, no conflicts (2 of 4 stars). 2 submissions from 2 submitters: Uncertain significance (2). Last evaluated 2025-10-20.

Conditions:
Catecholaminergic polymorphic ventricular tachycardia (CVPT). Also called: Catecholamine-induced polymorphic ventricular tachycardia. Identifiers: Orphanet 3286, MedGen C5574922, MONDO:0017990.
Cardiomyopathy (CMYO). Also called: Cardiomyopathies. Identifiers: Orphanet 167848, MedGen C0878544, MONDO:0004994, HP:0001638. Inheritance: Various modes of inheritance.

Allele frequency attached by ClinVar (database versions not stated): gnomAD exomes below 0.00001.
gnomAD v4.1: 2 of 1,614,042 alleles (0.00012%); highest among the groups gnomAD compares: Non-Finnish European, 0.00017%; no homozygotes.

Submissions (2):

Color Diagnostics, LLC DBA Color Health
Classification: Uncertain significance for Cardiomyopathy. Last evaluated: 2025-10-20. Review status: criteria provided, single submitter. Criteria: ACMG Guidelines, 2015. Collection method: clinical testing. Allele origin: germline.
Comment: This missense variant replaces isoleucine with valine at codon 766 of the RYR2 protein. Computational prediction suggests that this variant may not impact protein structure and function. To our knowledge, functional studies have not been reported for this variant. This variant has not been reported in individuals affected with RYR2-related disorders in the literature. This variant has not been identified in the general population by the Genome Aggregation Database (gnomAD). The available evidence is insufficient to determine the role of this variant in disease conclusively. Therefore, this variant is classified as a Variant of Uncertain Significance.

All of Us Research Program, National Institutes of Health
Classification: Uncertain significance for Catecholaminergic polymorphic ventricular tachycardia. Last evaluated: 2024-01-03. Review status: criteria provided, single submitter. Criteria: ACMG Guidelines, 2015. Collection method: clinical testing. Allele origin: germline. Inheritance: Autosomal dominant inheritance. Observed: 1 variant allele, 1 heterozygote.
Comment: This missense variant replaces isoleucine with valine at codon 766 of the RYR2 protein. Computational prediction suggests that this variant may not impact protein structure and function (internally defined REVEL score threshold <= 0.5, PMID: 27666373). To our knowledge, functional studies have not been reported for this variant. This variant has not been reported in individuals affected with RYR2-related disorders in the literature. This variant has not been identified in the general population by the Genome Aggregation Database (gnomAD). The available evidence is insufficient to determine the role of this variant in disease conclusively. Therefore, this variant is classified as a Variant of Uncertain Significance.

This study involves interpretation of variants in research participants for the purpose of population health screening. Participant phenotype was not available at the time of variant classification. Additional details can be found in publication PMID: 35346344, PMCID: PMC8962531

NM_001035.3(RYR2):c.2296A>G (p.Ile766Val)

Gene: RYR2 (ryanodine receptor 2; plus strand). Cytogenetic location: 1q43.
Variant type: single nucleotide variant.
Coding change: c.2296A>G on transcript NM_001035.3 (MANE Select); coding-DNA position 2296, A replaced by G.
Protein change: p.Ile766Val; replaces isoleucine 766 with valine.
Molecular consequence: missense variant.
Genome position (GRCh38, 1-based): chr1:237,500,803, A>G. VCF-style: chr1-237500803-A-G. GRCh37 (hg19) VCF-style: chr1-237664103-A-G.
Other names: short protein forms I766V.
Identifiers: ClinVar variation 3075245 (VCV003075245.2), dbSNP rs2545868600, ClinGen allele CA345393190.